The following is an entry in ClinVar:

NM_006231.4(POLE):c.1588G>A (p.Asp530Asn)

Gene: POLE (DNA polymerase epsilon, catalytic subunit; minus strand). Cytogenetic location: 12q24.33.
Variant type: single nucleotide variant.
Coding change: c.1588G>A on transcript NM_006231.4 (MANE Select); coding-DNA position 1588, G replaced by A.
Protein change: p.Asp530Asn; replaces aspartic acid 530 with asparagine.
Molecular consequence: missense variant.
Genome position (GRCh38, 1-based): chr12:132,672,725, C>T on the plus strand (G>A on the coding strand, the complement: POLE is on the minus strand). VCF-style: chr12-132672725-C-T. GRCh37 (hg19) VCF-style: chr12-133249311-C-T.
Other names: c.1588G>A (NM_006231.2); short protein forms D530N.
Identifiers: ClinVar variation 405594 (VCV000405594.14), dbSNP rs753660907, ClinGen allele CA6893905.

ClinVar aggregate classification (germline): Conflicting classifications of pathogenicity. Review status: criteria provided, conflicting classifications (1 of 4 stars). 6 submissions from 6 submitters: Uncertain significance (3); Likely benign (1). 2 of the submissions do not count toward it. Last evaluated 2026-01-18.

Conditions:
Facial dysmorphism-immunodeficiency-livedo-short stature syndrome. Also called: Facial dysmorphism, immunodeficiency, livedo, and short stature; FILS syndrome. Identifiers: Orphanet 352712, MedGen C3554576, MONDO:0014058, OMIM 615139.
Colorectal cancer, susceptibility to, 12 (CRCS12). Also called: COLORECTAL CANCER, SUSCEPTIBILITY TO, ON CHROMOSOME 12q24. Identifiers: Orphanet 220460, MedGen C3554460, MONDO:0014038, OMIM 615083.
Intrauterine growth retardation, metaphyseal dysplasia, adrenal hypoplasia congenita, genital anomalies, and immunodeficiency. Also called: IMAGEI SYNDROME. Identifiers: MedGen C5193036, MONDO:0032684, OMIM 618336.
Hereditary cancer-predisposing syndrome. Also called: Hereditary Cancer Syndrome; Hereditary neoplastic syndrome; Neoplastic Syndromes, Hereditary; Tumor predisposition. Identifiers: Orphanet 140162, MedGen C0027672, MeSH D009386, MONDO:0015356.

Allele frequency attached by ClinVar (database versions not stated): ExAC 0.00001; gnomAD exomes 0.00001; TOPMed 0.00002; gnomAD 0.00003.

Submissions (6):

Labcorp Genetics (formerly Invitae), Labcorp
Classification: Uncertain significance. Last evaluated: 2026-01-18. Review status: criteria provided, single submitter. Criteria: Invitae Variant Classification Sherloc (09022015). Collection method: clinical testing. Allele origin: germline.
Comment: This sequence change replaces aspartic acid, which is acidic and polar, with asparagine, which is neutral and polar, at codon 530 of the POLE protein (p.Asp530Asn). The frequency data for this variant in the population databases is considered unreliable, as metrics indicate poor data quality at this position in the gnomAD database. This variant has not been reported in the literature in individuals affected with POLE-related conditions. ClinVar contains an entry for this variant (Variation ID: 405594). Invitae Evidence Modeling of protein sequence and biophysical properties (such as structural, functional, and spatial information, amino acid conservation, physicochemical variation, residue mobility, and thermodynamic stability) indicates that this missense variant is not expected to disrupt POLE protein function with a negative predictive value of 80%. In summary, the available evidence is currently insufficient to determine the role of this variant in disease. Therefore, it has been classified as a Variant of Uncertain Significance.

Ambry Genetics
Classification: Likely benign for Hereditary cancer-predisposing syndrome. Last evaluated: 2025-02-19. Review status: criteria provided, single submitter. Criteria: Ambry Variant Classification Scheme 2023. Collection method: clinical testing. Allele origin: germline.

Department of Pathology and Laboratory Medicine, Sinai Health System
Classification: Uncertain significance for Colorectal cancer, susceptibility to, 12; Facial dysmorphism-immunodeficiency-livedo-short stature syndrome; Intrauterine growth retardation, metaphyseal dysplasia, adrenal hypoplasia congenita, genital anomalies, and immunodeficiency. Last evaluated: 2024-08-21. Review status: criteria provided, single submitter. Criteria: ACMG Guidelines, 2015. Collection method: clinical testing. Allele origin: germline.

GeneDx
Classification: Uncertain significance. Last evaluated: 2023-08-22. Review status: criteria provided, single submitter. Criteria: GeneDx Variant Classification Process June 2021. Collection method: clinical testing. Allele origin: germline. Affected: yes.
Comment: Not observed at significant frequency in large population cohorts (gnomAD); In silico analysis supports that this missense variant has a deleterious effect on protein structure/function; Has not been previously published as pathogenic or benign to our knowledge

Clinical Genetics, Academic Medical Center
Classification: Likely benign. Review status: no assertion criteria provided. Collection method: clinical testing. Allele origin: germline. Affected: yes. Study: VKGL Data-share Consensus. Not counted in ClinVar's aggregate classification.

Genome Diagnostics Laboratory, Amsterdam University Medical Center
Classification: Likely benign. Review status: no assertion criteria provided. Collection method: clinical testing. Allele origin: germline. Affected: yes. Study: VKGL Data-share Consensus. Not counted in ClinVar's aggregate classification.